The following is an entry in ClinVar:

ClinVar aggregate classification (germline): Uncertain significance (1 of 4 stars; one submission).

Conditions:
PICALM-related disorder. Also called: PICALM-related condition.

Submission:

PreventionGenetics, part of Exact Sciences
Classification: Uncertain significance for PICALM-related condition. Last evaluated: 2025-10-22. Review status: criteria provided, single submitter. Criteria: ACMG Guidelines, 2015. Collection method: clinical testing. Allele origin: germline.
Comment: The PICALM c.1258+3A>G variant is predicted to interfere with splicing. To our knowledge, this variant has not been reported in the literature or in a large population database (gnomAD), indicating this variant is rare. At this time, the clinical significance of this variant is uncertain due to the absence of conclusive functional and genetic evidence.

NM_007166.4(PICALM):c.1258+3A>G

Gene: PICALM (phosphatidylinositol binding clathrin assembly protein; minus strand). Cytogenetic location: 11q14.2.
Variant type: single nucleotide variant.
Coding change: c.1258+3A>G on transcript NM_007166.4 (MANE Select); 3 bases into the intron after coding-DNA position 1258, A replaced by G.
Molecular consequence: intron variant.
Genome position (GRCh38, 1-based): chr11:85,996,823, T>C on the plus strand (A>G on the coding strand, the complement: PICALM is on the minus strand). VCF-style: chr11-85996823-T-C. GRCh37 (hg19) VCF-style: chr11-85707866-T-C.
Other names: c.1105+3A>G (NM_001206947.2); c.1258+3A>G (NM_001008660.3, NM_001206946.2, NM_001411034.1).
Identifiers: ClinVar variation 4994195 (VCV004994195.1).